The following is an entry in ClinVar:

NM_016507.4(CDK12):c.1738A>G (p.Ser580Gly)

Gene: CDK12 (cyclin dependent kinase 12; plus strand). Cytogenetic location: 17q12.
Variant type: single nucleotide variant.
Coding change: c.1738A>G on transcript NM_016507.4 (MANE Select); coding-DNA position 1738, A replaced by G.
Protein change: p.Ser580Gly; replaces serine 580 with glycine.
Molecular consequence: missense variant.
Genome position (GRCh38, 1-based): chr17:39,471,570, A>G. VCF-style: chr17-39471570-A-G. GRCh37 (hg19) VCF-style: chr17-37627823-A-G.
Other names: c.1738A>G, p.Ser580Gly (NM_015083.4); short protein forms S580G.
Identifiers: ClinVar variation 3489313 (VCV003489313.1).

ClinVar aggregate classification (germline): Uncertain significance (1 of 4 stars; one submission).

gnomAD v4.1: 7 of 1,613,888 alleles (0.00043%); highest among the groups gnomAD compares: African/African-American, 0.0067%; no homozygotes.

Submission:

Ambry Genetics
Classification: Uncertain significance. Last evaluated: 2024-11-28. Review status: criteria provided, single submitter. Criteria: Ambry Variant Classification Scheme 2023. Collection method: clinical testing. Allele origin: germline.
Comment: The p.S580G variant (also known as c.1738A>G), located in coding exon 2 of the CDK12 gene, results from an A to G substitution at nucleotide position 1738. The serine at codon 580 is replaced by glycine, an amino acid with similar properties. This amino acid position is conserved. In addition, this alteration is predicted to be tolerated by in silico analysis. Based on the available evidence, the clinical significance of this variant remains unclear.